The following is an entry in ClinVar:

NM_000257.4(MYH7):c.610C>A (p.Arg204Ser)

Gene: MYH7 (myosin heavy chain 7; minus strand). Cytogenetic location: 14q11.2.
Variant type: single nucleotide variant.
Coding change: c.610C>A on transcript NM_000257.4 (MANE Select); coding-DNA position 610, C replaced by A.
Protein change: p.Arg204Ser; replaces arginine 204 with serine.
Molecular consequence: missense variant.
Genome position (GRCh38, 1-based): chr14:23,431,790, G>T on the plus strand (C>A on the coding strand, the complement: MYH7 is on the minus strand). VCF-style: chr14-23431790-G-T. GRCh37 (hg19) VCF-style: chr14-23900999-G-T.
Other names: short protein forms R204S.
Identifiers: ClinVar variation 43094 (VCV000043094.7), dbSNP rs397516259, ClinGen allele CA016534.

ClinVar aggregate classification (germline): Uncertain significance. Review status: criteria provided, multiple submitters, no conflicts (2 of 4 stars). 2 submissions from 2 submitters: Uncertain significance (2). Last evaluated 2024-08-20.

Conditions:
Hypertrophic cardiomyopathy. Also called: HYPERTROPHIC MYOCARDIOPATHY. Identifiers: Orphanet 217569, MedGen C0007194, MeSH D002312, MONDO:0005045, HP:0001639.

Submissions (2):

Labcorp Genetics (formerly Invitae), Labcorp
Classification: Uncertain significance for Hypertrophic cardiomyopathy. Last evaluated: 2024-08-20. Review status: criteria provided, single submitter. Criteria: Invitae Variant Classification Sherloc (09022015). Collection method: clinical testing. Allele origin: germline.
Comment: This sequence change replaces arginine, which is basic and polar, with serine, which is neutral and polar, at codon 204 of the MYH7 protein (p.Arg204Ser). This variant is not present in population databases (gnomAD no frequency). This missense change has been observed in individual(s) with hypertrophic cardiomyopathy (Invitae). ClinVar contains an entry for this variant (Variation ID: 43094). Invitae Evidence Modeling of protein sequence and biophysical properties (such as structural, functional, and spatial information, amino acid conservation, physicochemical variation, residue mobility, and thermodynamic stability) indicates that this missense variant is not expected to disrupt MYH7 protein function with a negative predictive value of 95%. This variant disrupts the p.Arg204 amino acid residue in MYH7. Other variant(s) that disrupt this residue have been determined to be pathogenic (PMID: 12707239, 23816408, 24111713, 24865491, 27247418, 27532257, 27841901). This suggests that this residue is clinically significant, and that variants that disrupt this residue are likely to be disease-causing. In summary, the available evidence is currently insufficient to determine the role of this variant in disease. Therefore, it has been classified as a Variant of Uncertain Significance.

Laboratory for Molecular Medicine, Mass General Brigham Personalized Medicine
Classification: Uncertain significance. Last evaluated: 2014-03-07. Review status: criteria provided, single submitter. Criteria: LMM Criteria. Collection method: clinical testing. Allele origin: germline. Observed: 2 variant alleles.
Comment: proposed classification - variant undergoing re-assessment, contact laboratory

Literature cited by the submitters: PubMed 12707239 (cited by Labcorp Genetics (formerly Invitae), Labcorp); PubMed 23816408 (cited by Labcorp Genetics (formerly Invitae), Labcorp); PubMed 24111713 (cited by Labcorp Genetics (formerly Invitae), Labcorp); PubMed 24865491 (cited by Labcorp Genetics (formerly Invitae), Labcorp); PubMed 27247418 (cited by Labcorp Genetics (formerly Invitae), Labcorp); PubMed 27532257 (cited by Labcorp Genetics (formerly Invitae), Labcorp); PubMed 27841901 (cited by Labcorp Genetics (formerly Invitae), Labcorp); PubMed 15698845 (cited by Laboratory for Molecular Medicine, Mass General Brigham Personalized Medicine); PubMed 17599605 (cited by Laboratory for Molecular Medicine, Mass General Brigham Personalized Medicine).